The following is an entry in ClinVar:

NM_000051.4(ATM):c.1236-2dup

Gene: ATM (ATM serine/threonine kinase; plus strand). Cytogenetic location: 11q22.3.
Variant type: Duplication.
Coding change: c.1236-2dup on transcript NM_000051.4 (MANE Select); the canonical splice acceptor site of the intron before coding-DNA position 1236, one base duplicated (A; older notation c.1236-2dupA).
Molecular consequence: splice acceptor variant.
Genome position (GRCh38, 1-based): chr11:108,250,699, A duplicated. VCF-style (leftmost placement, unchanged base first): chr11-108250698-T-TA. GRCh37 (hg19) VCF-style: chr11-108121425-T-TA.
Other names: c.1236-2dup (NM_001351834.2); c.1236-2dupA (NM_000051.4).
Identifiers: ClinVar variation 1506928 (VCV001506928.9), dbSNP rs1555070601, ClinGen allele CA6264790.

ClinVar aggregate classification (germline): Uncertain significance. Review status: criteria provided, multiple submitters, no conflicts (2 of 4 stars). 3 submissions from 3 submitters: Uncertain significance (3). Last evaluated 2025-07-02.

Conditions:
Ataxia-telangiectasia syndrome (AT). Also called: Cerebello-oculocutaneous telangiectasia; Immunodeficiency with ataxia telangiectasia; AT, COMPLEMENTATION GROUP C; ATAXIA-TELANGIECTASIA, COMPLEMENTATION GROUP A; ATAXIA-TELANGIECTASIA, FRESNO VARIANT; LOUIS-BAR SYNDROME. Identifiers: Orphanet 100, MedGen C0004135, MONDO:0008840, OMIM 208900.
Hereditary cancer-predisposing syndrome. Also called: Tumor predisposition; Hereditary neoplastic syndrome; Neoplastic Syndromes, Hereditary; Hereditary Cancer Syndrome. Identifiers: Orphanet 140162, MedGen C0027672, MeSH D009386, MONDO:0015356.

Allele frequency attached by ClinVar (database versions not stated): ExAC 0.00001; gnomAD 0.00001.

Submissions (3):

Women's Health and Genetics/Laboratory Corporation of America, LabCorp
Classification: Uncertain significance. Last evaluated: 2025-07-02. Review status: criteria provided, single submitter. Criteria: LabCorp Variant Classification Summary - May 2015. Collection method: clinical testing. Allele origin: germline.
Comment: Variant summary: ATM c.1236-2dupA is located in a canonical splice-site and is predicted to affect mRNA splicing resulting in a significantly altered protein due to either exon skipping, shortening, or inclusion of intronic material. Variants that disrupt the consensus splice site are a relatively common cause of aberrant splicing and loss of ATM function. Consensus agreement among computation tools predict no significant impact on normal splicing. However, these predictions have yet to be confirmed by functional studies. The frequency data for this variant in gnomAD is considered unreliable, as metrics indicate poor data quality at this position. To our knowledge, no occurrence of c.1236-2dupA in individuals affected with Ataxia-Telangiectasia and no experimental evidence demonstrating its impact on protein function have been reported. ClinVar contains an entry for this variant (Variation ID: 1506928). Based on the evidence outlined above, the variant was classified as uncertain significance.

Ambry Genetics
Classification: Uncertain significance for Hereditary cancer-predisposing syndrome. Last evaluated: 2025-02-21. Review status: criteria provided, single submitter. Criteria: Ambry Variant Classification Scheme 2023. Collection method: clinical testing. Allele origin: germline.
Comment: The c.1236-2dupA intronic variant, results from a duplication of one nucleotide at position 1236-2 before exon 9 of the ATM gene. This nucleotide position is highly conserved in available vertebrate species. In silico splice site analysis predicts that this alteration may weaken the native splice acceptor site. Based on the available evidence, the clinical significance of this variant remains unclear.

Labcorp Genetics (formerly Invitae), Labcorp
Classification: Uncertain significance for Ataxia-telangiectasia syndrome. Last evaluated: 2024-03-23. Review status: criteria provided, single submitter. Criteria: Invitae Variant Classification Sherloc (09022015). Collection method: clinical testing. Allele origin: germline.
Comment: This sequence change falls in intron 9 of the ATM gene. It does not directly change the encoded amino acid sequence of the ATM protein. It affects a nucleotide within the consensus splice site. The frequency data for this variant in the population databases is considered unreliable, as metrics indicate poor data quality at this position in the gnomAD database. This variant has not been reported in the literature in individuals affected with ATM-related conditions. ClinVar contains an entry for this variant (Variation ID: 1506928). Variants that disrupt the consensus splice site are a relatively common cause of aberrant splicing (PMID: 17576681, 9536098). RNA analysis performed to evaluate the impact of this variant on mRNA splicing indicates it does not significantly alter splicing (Invitae). In summary, the available evidence is currently insufficient to determine the role of this variant in disease. Therefore, it has been classified as a Variant of Uncertain Significance.

Literature cited by the submitters: PubMed 17576681 (cited by Labcorp Genetics (formerly Invitae), Labcorp); PubMed 9536098 (cited by Labcorp Genetics (formerly Invitae), Labcorp).